The following is an entry in ClinVar:

ClinVar aggregate classification (germline): Uncertain significance (1 of 4 stars; one submission).

Conditions:
Leukoencephalopathy with vanishing white matter 3 (VWM3). Also called: Leukoencephalopathy with vanishing white matter 3, with or without ovarian failure; EIF2B3-Related Childhood Ataxia with Central Nervous System Hypomyelination/Vanishing White Matter. Identifiers: MedGen C5830405, MONDO:0957871, OMIM 620313.

Submission:

Juno Genomics, Hangzhou Juno Genomics, Inc
Classification: Uncertain significance for Leukoencephalopathy with vanishing white matter 3. Review status: criteria provided, single submitter. Criteria: ACMG Guidelines, 2015. Collection method: clinical testing. Allele origin: germline.
Comment: Absent from controls (or at extremely low frequency if recessive) in Genome Aggregation Database.;Multiple lines of computational evidence support a deleterious effect on the gene or gene product.;Novel missense change at an amino acid residue where a different missense change determined to be pathogenic has been seen before.

NM_020365.5(EIF2B3):c.502C>T (p.Leu168Phe)

Gene: EIF2B3 (eukaryotic translation initiation factor 2B subunit gamma; minus strand). Cytogenetic location: 1p34.1.
Variant type: single nucleotide variant.
Coding change: c.502C>T on transcript NM_020365.5 (MANE Select); coding-DNA position 502, C replaced by T.
Protein change: p.Leu168Phe; replaces leucine 168 with phenylalanine.
Molecular consequence: missense variant.
Genome position (GRCh38, 1-based): chr1:44,926,692, G>A on the plus strand (C>T on the coding strand, the complement: EIF2B3 is on the minus strand). VCF-style: chr1-44926692-G-A. GRCh37 (hg19) VCF-style: chr1-45392364-G-A.
Other names: c.502C>T, p.Leu168Phe (NM_001166588.3, NM_001261418.2); short protein forms L168F.
Identifiers: ClinVar variation 5006668 (VCV005006668.2).